The following is an entry in ClinVar:

NM_000545.8(HNF1A):c.197dup (p.Thr67fs)

Gene: HNF1A (HNF1 homeobox A; plus strand). Cytogenetic location: 12q24.31.
Variant type: Duplication.
Coding change: c.197dup on transcript NM_000545.8 (MANE Select); coding-DNA position 197, one base duplicated (A; older notation c.197dupA).
Protein change: p.Thr67fs; shifts the reading frame from threonine 67.
Molecular consequence: frameshift variant.
Genome position (GRCh38, 1-based): chr12:120,978,965, A duplicated. VCF-style (leftmost placement, unchanged base first): chr12-120978964-G-GA. GRCh37 (hg19) VCF-style: chr12-121416767-G-GA.
Other names: c.197dup, p.Thr67fs (NM_001306179.2, NM_001406915.1); short protein forms T67fs.
Identifiers: ClinVar variation 4282437 (VCV004282437.1).

ClinVar aggregate classification (germline): Likely pathogenic (1 of 4 stars; one submission).

Submission:

GeneDx
Classification: Likely pathogenic. Last evaluated: 2025-04-16. Review status: criteria provided, single submitter. Criteria: GeneDx Variant Classification Process June 2021. Collection method: clinical testing. Allele origin: germline. Affected: yes.
Comment: Reported in association with MODY in published literature (PMID: 34789499, 36257325); however, proband clinical information limited or not provided; Frameshift variant predicted to result in protein truncation or nonsense mediated decay in a gene for which loss of function is a known mechanism of disease; Not observed at significant frequency in large population cohorts (gnomAD); This variant is associated with the following publications: (PMID: 34789499, 36257325)